The following is an entry in ClinVar:

NM_001267550.2(TTN):c.100229_100233del (p.Val33410fs)

Genes: TTN (titin; minus strand), TTN-AS1 (TTN antisense RNA 1; plus strand), LOC126806420 (BRD4-independent group 4 enhancer GRCh37_chr2:179401104-179402303; plus strand). Cytogenetic location: 2q31.2.
Variant type: Microsatellite.
Coding change: c.100229_100233del on transcript NM_001267550.2 (MANE Select); coding-DNA positions 100229 to 100233, 5 bases deleted (TTGTG; older notation c.100229_100233delTTGTG).
Protein change: p.Val33410fs; shifts the reading frame from valine 33410.
Molecular consequence: frameshift variant.
Genome position (GRCh38, 1-based): chr2:178,536,514-178,536,518, CACAA deleted on the plus strand (TTGTG on the coding strand, the reverse complement: TTN is on the minus strand); deleting any 5 consecutive bases within chr2:178,536,514-178,536,523 gives the same sequence; the c. name uses the placement nearest the transcript's 3' end. VCF-style (leftmost placement, unchanged base first): chr2-178536513-CCACAA-C. GRCh37 (hg19) VCF-style: chr2-179401240-CCACAA-C.
Other names: p.Val31769Glyfs*8; c.95306_95310del, p.Val31769fs (NM_001256850.1); c.73034_73038del, p.Val24345fs (NM_003319.4); c.92525_92529del, p.Val30842fs (NM_133378.4); c.73409_73413del, p.Val24470fs (NM_133432.3); c.73610_73614del, p.Val24537fs (NM_133437.4); short protein forms V30842fs, V31769fs, V24470fs, V24345fs, V24537fs, V33410fs.
Identifiers: ClinVar variation 2017107 (VCV002017107.5), dbSNP rs2468622062, ClinGen allele CA2580614454.

ClinVar aggregate classification (germline): Likely pathogenic. Review status: criteria provided, multiple submitters, no conflicts (2 of 4 stars). 2 submissions from 2 submitters: Likely pathogenic (2). Last evaluated 2025-08-15.

Conditions:
Autosomal recessive limb-girdle muscular dystrophy type 2J (LGMDR10). Also called: Limb-girdle muscular dystrophy, type 2J; MUSCULAR DYSTROPHY, LIMB-GIRDLE, AUTOSOMAL RECESSIVE 10. Identifiers: Orphanet 140922, MedGen C1837342, MONDO:0012127, OMIM 608807.
Dilated cardiomyopathy 1G (CMD1G). Identifiers: Orphanet 154, MedGen C1858763, MONDO:0011400, OMIM 604145.

Submissions (2):

Mayo Clinic Laboratories, Mayo Clinic
Classification: Likely pathogenic. Last evaluated: 2025-08-15. Review status: criteria provided, single submitter. Criteria: ACMG Guidelines, 2015. Collection method: clinical testing. Allele origin: germline. Observed: 1 variant allele.
Comment: PM2_supporting, PVS1

Labcorp Genetics (formerly Invitae), Labcorp
Classification: Likely pathogenic for Dilated cardiomyopathy 1G; Autosomal recessive limb-girdle muscular dystrophy type 2J. Last evaluated: 2022-11-03. Review status: criteria provided, single submitter. Criteria: Invitae Variant Classification Sherloc (09022015). Collection method: clinical testing. Allele origin: germline.
Comment: In summary, the currently available evidence indicates that the variant is pathogenic, but additional data are needed to prove that conclusively. Therefore, this variant has been classified as Likely Pathogenic. This variant is located in the A band of TTN (PMID: 25589632). Truncating variants in this region are significantly overrepresented in patients affected with dilated cardiomyopathy (PMID: 25589632). Truncating variants in this region have also been reported in individuals affected with autosomal recessive centronuclear myopathy (PMID: 23975875). This variant has not been reported in the literature in individuals affected with TTN-related conditions. This variant is not present in population databases (gnomAD no frequency). This sequence change creates a premature translational stop signal (p.Val33410Glyfs*8) in the TTN gene. While this is not anticipated to result in nonsense mediated decay, it is expected to create a truncated TTN protein.

Literature cited by the submitters: PubMed 23975875 (cited by Mayo Clinic Laboratories, Mayo Clinic and Labcorp Genetics (formerly Invitae), Labcorp); PubMed 25589632 (cited by Mayo Clinic Laboratories, Mayo Clinic and Labcorp Genetics (formerly Invitae), Labcorp).